The following is an entry in ClinVar:

ClinVar aggregate classification (germline): Uncertain significance. Review status: criteria provided, multiple submitters, no conflicts (2 of 4 stars). 2 submissions from 2 submitters: Uncertain significance (2). Last evaluated 2022-07-19.

Conditions:
Catecholaminergic polymorphic ventricular tachycardia 1. Also called: VENTRICULAR TACHYCARDIA, STRESS-INDUCED POLYMORPHIC 1; RYR2-Related Catecholaminergic Polymorphic Ventricular Tachycardia; VENTRICULAR TACHYCARDIA, CATECHOLAMINERGIC POLYMORPHIC, 1, WITH OR WITHOUT ATRIAL DYSFUNCTION AND/OR DILATED CARDIOMYOPATHY. Identifiers: Orphanet 3286, MedGen C1631597, MONDO:0011484, OMIM 604772.

Submissions (2):

Labcorp Genetics (formerly Invitae), Labcorp
Classification: Uncertain significance for Catecholaminergic polymorphic ventricular tachycardia 1. Last evaluated: 2022-07-19. Review status: criteria provided, single submitter. Criteria: Invitae Variant Classification Sherloc (09022015). Collection method: clinical testing. Allele origin: germline.
Comment: In summary, the available evidence is currently insufficient to determine the role of this variant in disease. Therefore, it has been classified as a Variant of Uncertain Significance. Advanced modeling of protein sequence and biophysical properties (such as structural, functional, and spatial information, amino acid conservation, physicochemical variation, residue mobility, and thermodynamic stability) performed at Invitae indicates that this missense variant is expected to disrupt RYR2 protein function. ClinVar contains an entry for this variant (Variation ID: 201349). This variant has not been reported in the literature in individuals affected with RYR2-related conditions. This variant is not present in population databases (gnomAD no frequency). This sequence change replaces leucine, which is neutral and non-polar, with serine, which is neutral and polar, at codon 4507 of the RYR2 protein (p.Leu4507Ser).

Stanford Center for Inherited Cardiovascular Disease, Stanford University
Classification: Uncertain significance. Last evaluated: 2013-12-30. Review status: criteria provided, single submitter. Criteria: ACMG Guidelines, 2015. Collection method: provider interpretation. Allele origin: germline.

NM_001035.3(RYR2):c.13520T>C (p.Leu4507Ser)

Gene: RYR2 (ryanodine receptor 2; plus strand). Cytogenetic location: 1q43.
Variant type: single nucleotide variant.
Coding change: c.13520T>C on transcript NM_001035.3 (MANE Select); coding-DNA position 13520, T replaced by C.
Protein change: p.Leu4507Ser; replaces leucine 4507 with serine.
Molecular consequence: missense variant.
Genome position (GRCh38, 1-based): chr1:237,791,472, T>C. VCF-style: chr1-237791472-T-C. GRCh37 (hg19) VCF-style: chr1-237954772-T-C.
Other names: c.13520T>C, p.Leu4507Ser (LRG_402t1); short protein forms L4507S.
Identifiers: ClinVar variation 201349 (VCV000201349.9), dbSNP rs794728798, ClinGen allele CA007939.